The following is an entry in ClinVar:

ClinVar aggregate classification (germline): Pathogenic. Review status: criteria provided, multiple submitters, no conflicts (2 of 4 stars). 3 submissions from 3 submitters: Pathogenic (3). Last evaluated 2026-01-14.

Conditions:
NF1-related disorder. Also called: NF1-related condition. Identifiers: MedGen CN379171.
Neurofibromatosis, type 1 (NF1). Also called: VON RECKLINGHAUSEN DISEASE; Peripheral type neurofibromatosis; NEUROFIBROMATOSIS, TYPE I, SOMATIC; Neurofibromatosis, type I. Identifiers: Orphanet 636, MedGen C0027831, MONDO:0018975, OMIM 162200. Disease mechanism: loss of function.

Submissions (3):

Labcorp Genetics (formerly Invitae), Labcorp
Classification: Pathogenic for Neurofibromatosis, type 1. Last evaluated: 2026-01-14. Review status: criteria provided, single submitter. Criteria: Invitae Variant Classification Sherloc (09022015). Collection method: clinical testing. Allele origin: germline.
Comment: This sequence change falls in intron 38 of the NF1 gene. It does not directly change the encoded amino acid sequence of the NF1 protein. RNA analysis indicates that this variant induces altered splicing and may result in an absent or altered protein product. This variant is not present in population databases (gnomAD no frequency). This variant has been observed in individual(s) with neurofibromatosis type 1 (PMID: 17311297, 18546366; internal data). In at least one individual the variant was observed to be de novo. Invitae Evidence Modeling of clinical and family history, age, sex, and reported ancestry of multiple individuals with this NF1 variant has been performed. This variant is expected to be pathogenic with a positive predictive value of at least 99%. This is a validated machine learning model that incorporates the clinical features of 1,785,918 individuals referred to our laboratory for NF1 testing. ClinVar contains an entry for this variant (Variation ID: 457764). Variants that disrupt the consensus splice site are a relatively common cause of aberrant splicing (PMID: 17576681, 9536098). Studies have shown that this variant results in skipping of exon 38, and produces a non-functional protein and/or introduces a premature termination codon (internal data). For these reasons, this variant has been classified as Pathogenic.

Blueprint Genetics
Classification: Pathogenic for NF1-related disorders. Last evaluated: 2024-06-13. Review status: criteria provided, single submitter. Criteria: ACMG Guidelines, 2015. Collection method: clinical testing. Allele origin: germline. Affected: yes. Observed: 1 variant allele.

Medical Genetics, University of Parma
Classification: Pathogenic for Neurofibromatosis, type 1. Last evaluated: 2022-08-17. Review status: criteria provided, single submitter. Criteria: ACMG Guidelines, 2015. Collection method: clinical testing. Allele origin: germline. Inheritance: Autosomal dominant inheritance. Affected: yes.

Literature cited by the submitters: PubMed 17311297 (cited by Labcorp Genetics (formerly Invitae), Labcorp); PubMed 18546366 (cited by Labcorp Genetics (formerly Invitae), Labcorp); PubMed 17576681 (cited by Labcorp Genetics (formerly Invitae), Labcorp); PubMed 9536098 (cited by Labcorp Genetics (formerly Invitae), Labcorp).

NM_001042492.3(NF1):c.5812+5G>A

Gene: NF1 (neurofibromin 1; plus strand). Cytogenetic location: 17q11.2.
Variant type: single nucleotide variant.
Coding change: c.5812+5G>A on transcript NM_001042492.3 (MANE Select); 5 bases into the intron after coding-DNA position 5812, G replaced by A.
Molecular consequence: intron variant.
Genome position (GRCh38, 1-based): chr17:31,330,503, G>A. VCF-style: chr17-31330503-G-A. GRCh37 (hg19) VCF-style: chr17-29657521-G-A.
Other names: c.5749+5G>A (NM_000267.4).
Identifiers: ClinVar variation 457764 (VCV000457764.10), dbSNP rs1555533889, ClinGen allele CA658658554.